The following is an entry in ClinVar:

NM_004369.4(COL6A3):c.98A>G (p.Lys33Arg)

Gene: COL6A3 (collagen type VI alpha 3 chain; minus strand). Cytogenetic location: 2q37.3.
Variant type: single nucleotide variant.
Coding change: c.98A>G on transcript NM_004369.4 (MANE Select); coding-DNA position 98, A replaced by G.
Protein change: p.Lys33Arg; replaces lysine 33 with arginine.
Molecular consequence: missense variant. On other transcripts: intron variant (4).
Genome position (GRCh38, 1-based): chr2:237,395,198, T>C on the plus strand (A>G on the coding strand, the complement: COL6A3 is on the minus strand). VCF-style: chr2-237395198-T-C. GRCh37 (hg19) VCF-style: chr2-238303841-T-C.
Other names: c.91+1529A>G (NM_057166.5, NM_057167.4, NM_057164.5 and 1 more transcripts); short protein forms K33R.
Identifiers: ClinVar variation 647682 (VCV000647682.9), dbSNP rs781141962, ClinGen allele CA67842599.

ClinVar aggregate classification (germline): Uncertain significance (1 of 4 stars; one submission).

Conditions:
Bethlem myopathy 1A. Also called: Bethlem Muscular Dystrophy; Bethlem myopathy 1; MYOPATHY, BENIGN CONGENITAL, WITH CONTRACTURES. Identifiers: Orphanet 610, MedGen CN029274, MONDO:0024530, OMIM 158810.

Allele frequency attached by ClinVar (database versions not stated): TOPMed below 0.00001; gnomAD 0.00001; gnomAD exomes 0.00002.
gnomAD v4.1: 34 of 1,613,150 alleles (0.0021%); highest among the groups gnomAD compares: Non-Finnish European, 0.0026%; no homozygotes.

Submission:

Labcorp Genetics (formerly Invitae), Labcorp
Classification: Uncertain significance for Bethlem myopathy 1A. Last evaluated: 2023-11-25. Review status: criteria provided, single submitter. Criteria: Invitae Variant Classification Sherloc (09022015). Collection method: clinical testing. Allele origin: germline.
Comment: This sequence change replaces lysine, which is basic and polar, with arginine, which is basic and polar, at codon 33 of the COL6A3 protein (p.Lys33Arg). This variant is not present in population databases (gnomAD no frequency). This variant has not been reported in the literature in individuals affected with COL6A3-related conditions. ClinVar contains an entry for this variant (Variation ID: 647682). Advanced modeling of protein sequence and biophysical properties (such as structural, functional, and spatial information, amino acid conservation, physicochemical variation, residue mobility, and thermodynamic stability) performed at Invitae indicates that this missense variant is not expected to disrupt COL6A3 protein function with a negative predictive value of 95%. In summary, the available evidence is currently insufficient to determine the role of this variant in disease. Therefore, it has been classified as a Variant of Uncertain Significance.